The following is an entry in ClinVar:

ClinVar aggregate classification (germline): Likely benign. Review status: criteria provided, multiple submitters, no conflicts (2 of 4 stars). 8 submissions from 8 submitters: Likely benign (8). Last evaluated 2025-02-10.

Conditions:
Ehlers-Danlos syndrome (EDS). Identifiers: Orphanet 98249, MedGen C0013720, MONDO:0020066.
Familial thoracic aortic aneurysm and aortic dissection (TAAD). Also called: Thoracic aortic aneurysms and dissections. Identifiers: Orphanet 91387, MedGen C4707243, MONDO:0019625.
Familial aortopathy. Identifiers: MedGen CN078214.
Ehlers-Danlos syndrome, type 4 (EDSVASC). Also called: Ehlers-Danlos syndrome vascular type; Ehlers Danlos syndrome, ecchymotic type; Ehlers Danlos syndrome, arterial type; Ehlers Danlos syndrome, Sack-Barabas type; Ehlers-Danlos Syndrome Type IV. Identifiers: Orphanet 286, MedGen C0268338, MONDO:0017314, OMIM 130050.

Allele frequency attached by ClinVar (database versions not stated): gnomAD exomes 0.00004 and below 0.00001; gnomAD 0.00002; TOPMed 0.00002.
gnomAD v4.1: 67 of 1,613,404 alleles (0.0042%); highest among the groups gnomAD compares: Non-Finnish European, 0.0054%; no homozygotes.

Submissions (8):

Labcorp Genetics (formerly Invitae), Labcorp
Classification: Likely benign for Ehlers-Danlos syndrome, type 4. Last evaluated: 2025-02-10. Review status: criteria provided, single submitter. Criteria: Invitae Variant Classification Sherloc (09022015). Collection method: clinical testing. Allele origin: germline.

Blueprint Genetics
Classification: Likely benign. Last evaluated: 2024-08-02. Review status: criteria provided, single submitter. Criteria: ACMG Guidelines, 2015. Collection method: clinical testing. Allele origin: germline.

All of Us Research Program, National Institutes of Health
Classification: Likely benign for Ehlers-Danlos syndrome, type 4. Last evaluated: 2023-10-02. Review status: criteria provided, single submitter. Criteria: ACMG Guidelines, 2015. Collection method: clinical testing. Allele origin: germline. Inheritance: Autosomal dominant inheritance. Observed: 5 variant alleles, 5 heterozygotes.
Comment: This study involves interpretation of variants in research participants for the purpose of population health screening. Participant phenotype was not available at the time of variant classification. Additional details can be found in publication PMID: 35346344, PMCID: PMC8962531

CHEO Genetics Diagnostic Laboratory, Children's Hospital of Eastern Ontario
Classification: Likely benign for Familial thoracic aortic aneurysm and aortic dissection. Last evaluated: 2023-01-05. Review status: criteria provided, single submitter. Criteria: ACMG Guidelines, 2015. Collection method: clinical testing. Allele origin: germline.

Color Diagnostics, LLC DBA Color Health
Classification: Likely benign for Familial thoracic aortic aneurysm and aortic dissection. Last evaluated: 2022-11-06. Review status: criteria provided, single submitter. Criteria: ACMG Guidelines, 2015. Collection method: clinical testing. Allele origin: germline.

Ambry Genetics
Classification: Likely benign for Familial thoracic aortic aneurysm and aortic dissection. Last evaluated: 2021-12-16. Review status: criteria provided, single submitter. Criteria: Ambry Variant Classification Scheme 2023. Collection method: clinical testing. Allele origin: germline.

Genome Diagnostics Laboratory, The Hospital for Sick Children
Classification: Likely benign for Ehlers-Danlos syndrome. Last evaluated: 2021-02-12. Review status: criteria provided, single submitter. Criteria: ACMG Guidelines, 2015. Collection method: clinical testing. Allele origin: germline.

Women's Health and Genetics/Laboratory Corporation of America, LabCorp
Classification: Likely benign for Aortopathy. Last evaluated: 2011-08-18. Review status: criteria provided, single submitter. Criteria: LabCorp Variant Classification Summary - May 2015. Collection method: curation. Allele origin: germline. Inheritance: autosomal unknown. Affected: yes.
ClinVar note: Converted during submission from likely benign to Likely benign.

NM_000090.4(COL3A1):c.696A>G (p.Glu232=)

Gene: COL3A1 (collagen type III alpha 1 chain; plus strand). Cytogenetic location: 2q32.2.
Variant type: single nucleotide variant.
Coding change: c.696A>G on transcript NM_000090.4 (MANE Select); coding-DNA position 696, A replaced by G.
Protein change: p.Glu232=; no amino-acid change (glutamic acid 232 retained).
Molecular consequence: synonymous variant.
Genome position (GRCh38, 1-based): chr2:188,990,101, A>G. VCF-style: chr2-188990101-A-G. GRCh37 (hg19) VCF-style: chr2-189854827-A-G.
Identifiers: ClinVar variation 35965 (VCV000035965.21), dbSNP rs193922177, ClinGen allele CA007287.